The following is an entry in ClinVar:

ClinVar aggregate classification (germline): Uncertain significance. Review status: criteria provided, multiple submitters, no conflicts (2 of 4 stars). 2 submissions from 2 submitters: Uncertain significance (2). Last evaluated 2024-03-06.

Conditions:
Arrhythmogenic right ventricular dysplasia 8 (ARVD8). Also called: ARRHYTHMOGENIC RIGHT VENTRICULAR DYSPLASIA, FAMILIAL, 8; Arrhythmogenic Right Ventricular Dysplasia/Cardiomyopathy 8; ARRHYTHMOGENIC RIGHT VENTRICULAR CARDIOMYOPATHY 8. Identifiers: MedGen C1843896, MONDO:0011831, OMIM 607450.
Arrhythmogenic cardiomyopathy with wooly hair and keratoderma. Also called: Carvajal syndrome; Dilated cardiomyopathy with woolly hair and keratoderma; PALMOPLANTAR KERATODERMA WITH LEFT VENTRICULAR CARDIOMYOPATHY AND WOOLLY HAIR; Arrhythmogenic cardiomyopathy with woolly hair and keratoderma. Identifiers: Orphanet 65282, MedGen C1854063, MONDO:0011581, OMIM 605676.
Cardiomyopathy (CMYO). Also called: Cardiomyopathies. Identifiers: Orphanet 167848, MedGen C0878544, MONDO:0004994, HP:0001638. Inheritance: Various modes of inheritance.

Allele frequency attached by ClinVar (database versions not stated): TOPMed below 0.00001.
gnomAD v4.1: 2 of 1,614,182 alleles (0.00012%); highest among the groups gnomAD compares: Non-Finnish European, 0.00017%; no homozygotes.

Submissions (2):

Color Diagnostics, LLC DBA Color Health
Classification: Uncertain significance for Cardiomyopathy. Last evaluated: 2024-03-06. Review status: criteria provided, single submitter. Criteria: ACMG Guidelines, 2015. Collection method: clinical testing. Allele origin: germline.
Comment: This missense variant replaces serine with phenylalanine at codon 2549 of the DSP protein. Computational prediction suggests that this variant may not impact protein structure and function (internally defined REVEL score threshold <= 0.5, PMID: 27666373). To our knowledge, functional studies have not been reported for this variant. This variant has not been reported in individuals affected with cardiovascular disorders in the literature. This variant has not been identified in the general population by the Genome Aggregation Database (gnomAD). The available evidence is insufficient to determine the role of this variant in disease conclusively. Therefore, this variant is classified as a Variant of Uncertain Significance.

Labcorp Genetics (formerly Invitae), Labcorp
Classification: Uncertain significance for Arrhythmogenic cardiomyopathy with wooly hair and keratoderma; Arrhythmogenic right ventricular dysplasia 8. Last evaluated: 2022-07-30. Review status: criteria provided, single submitter. Criteria: Invitae Variant Classification Sherloc (09022015). Collection method: clinical testing. Allele origin: germline.
Comment: In summary, the available evidence is currently insufficient to determine the role of this variant in disease. Therefore, it has been classified as a Variant of Uncertain Significance. Algorithms developed to predict the effect of missense changes on protein structure and function are either unavailable or do not agree on the potential impact of this missense change (SIFT: "Deleterious"; PolyPhen-2: "Probably Damaging"; Align-GVGD: "Class C15"). This variant has not been reported in the literature in individuals affected with DSP-related conditions. This variant is not present in population databases (gnomAD no frequency). This sequence change replaces serine, which is neutral and polar, with phenylalanine, which is neutral and non-polar, at codon 2549 of the DSP protein (p.Ser2549Phe).

NM_004415.4(DSP):c.7646C>T (p.Ser2549Phe)

Gene: DSP (desmoplakin; plus strand). Cytogenetic location: 6p24.3.
Variant type: single nucleotide variant.
Coding change: c.7646C>T on transcript NM_004415.4 (MANE Select); coding-DNA position 7646, C replaced by T.
Protein change: p.Ser2549Phe; replaces serine 2549 with phenylalanine.
Molecular consequence: missense variant.
Genome position (GRCh38, 1-based): chr6:7,584,908, C>T. VCF-style: chr6-7584908-C-T. GRCh37 (hg19) VCF-style: chr6-7585141-C-T.
Other names: c.5849C>T, p.Ser1950Phe (NM_001008844.3); c.6317C>T, p.Ser2106Phe (NM_001319034.2); short protein forms S2549F, S1950F, S2106F.
Identifiers: ClinVar variation 1977182 (VCV001977182.7), dbSNP rs1759585768, ClinGen allele CA362693472.